The following is an entry in ClinVar:

NM_001903.5(CTNNA1):c.2418G>A (p.Glu806=)

Gene: CTNNA1 (catenin alpha 1; plus strand). Cytogenetic location: 5q31.2.
Variant type: single nucleotide variant.
Coding change: c.2418G>A on transcript NM_001903.5 (MANE Select); coding-DNA position 2418, G replaced by A.
Protein change: p.Glu806=; no amino-acid change (glutamic acid 806 retained).
Molecular consequence: synonymous variant. On other transcripts: intron variant (1).
Genome position (GRCh38, 1-based): chr5:138,932,697, G>A. VCF-style: chr5-138932697-G-A. GRCh37 (hg19) VCF-style: chr5-138268386-G-A.
Other names: c.2418G>A, p.Glu806= (NM_001290307.3, NM_001323982.2, NM_001323983.1 and 2 more transcripts); c.2109G>A, p.Glu703= (NM_001290309.3); c.2049G>A, p.Glu683= (NM_001290310.3); c.1308G>A, p.Glu436= (NM_001290312.1, NM_001323987.1, NM_001323988.1 and 16 more transcripts); c.2325G>A, p.Glu775= (NM_001323986.2); c.969G>A, p.Glu323= (NM_001324006.1, NM_001324007.1, NM_001324008.1 and 2 more transcripts); c.1215G>A, p.Glu405= (NM_001324011.1); c.1065G>A, p.Glu355= (NM_001324012.1, NM_001324013.1); and 1 more.
Identifiers: ClinVar variation 1790968 (VCV001790968.6), dbSNP rs2150350053, ClinGen allele CA446598238.

ClinVar aggregate classification (germline): Benign/Likely benign. Review status: criteria provided, multiple submitters, no conflicts (2 of 4 stars). 3 submissions from 3 submitters: Benign (1); Likely benign (2). Last evaluated 2024-10-15.

Conditions:
Hereditary diffuse gastric adenocarcinoma (HDGC). Also called: DIFFUSE GASTRIC AND LOBULAR BREAST CANCER SYNDROME. Identifiers: Orphanet 26106, MedGen C1708349, MONDO:0007648, OMIM 137215.
Hereditary cancer-predisposing syndrome. Also called: Neoplastic Syndromes, Hereditary; Tumor predisposition; Hereditary neoplastic syndrome; Hereditary Cancer Syndrome. Identifiers: Orphanet 140162, MedGen C0027672, MeSH D009386, MONDO:0015356.

Submissions (3):

Myriad Genetics, Inc.
Classification: Benign for Hereditary diffuse gastric adenocarcinoma. Last evaluated: 2024-10-15. Review status: criteria provided, single submitter. Criteria: Myriad Autosomal Dominant, Autosomal Recessive and X-Linked Classification Criteria (2023). Collection method: clinical testing. Allele origin: unknown.
Comment: This variant is considered benign. This variant is a silent/synonymous amino acid change and it is not expected to impact splicing.

Labcorp Genetics (formerly Invitae), Labcorp
Classification: Likely benign. Last evaluated: 2024-04-05. Review status: criteria provided, single submitter. Criteria: Invitae Variant Classification Sherloc (09022015). Collection method: clinical testing. Allele origin: germline.

Ambry Genetics
Classification: Likely benign for Hereditary cancer-predisposing syndrome. Last evaluated: 2021-09-11. Review status: criteria provided, single submitter. Criteria: Ambry Variant Classification Scheme 2023. Collection method: clinical testing. Allele origin: germline.